The following is an entry in ClinVar:

ClinVar aggregate classification (germline): Benign (1 of 4 stars; one submission).

Conditions:
Fleck corneal dystrophy (CFD). Also called: CORNEAL DYSTROPHY, FRANCOIS-NEETENS SPECKLED OR FLECKED. Identifiers: Orphanet 98970, MedGen C1562113, MONDO:0007376, OMIM 121850.

Allele frequency attached by ClinVar (database versions not stated): gnomAD exomes 0.00233; 1000 Genomes Project 30x 0.00453; TOPMed 0.00470; gnomAD 0.00500 and 0.00539; 1000 Genomes Project 0.00519.
gnomAD v4.1: 812 of 152,704 alleles (0.53%); highest among the groups gnomAD compares: South Asian, 1.5%; 4 homozygotes.

Submission:

Illumina Laboratory Services, Illumina
Classification: Benign for Fleck corneal dystrophy. Last evaluated: 2018-01-12. Review status: criteria provided, single submitter. Criteria: ICSL Variant Classification Criteria 13 December 2019. Collection method: clinical testing. Allele origin: germline.
Comment: This variant was observed in the ICSL laboratory as part of a predisposition screen in an ostensibly healthy population. It had not been previously curated by ICSL or reported in the Human Gene Mutation Database (HGMD: prior to June 1st, 2018), and was therefore a candidate for classification through an automated scoring system. Utilizing variant allele frequency, disease prevalence and penetrance estimates, and inheritance mode, an automated score was calculated to assess if this variant is too frequent to cause the disease. Based on the score and internal cut-off values, a variant classified as benign is not then subjected to further curation. The score for this variant resulted in a classification of benign for this disease.

NM_015040.4(PIKFYVE):c.*3324A>G

Gene: PIKFYVE (phosphoinositide kinase, FYVE-type zinc finger containing; plus strand). Cytogenetic location: 2q34.
Variant type: single nucleotide variant.
Coding change: c.*3324A>G on transcript NM_015040.4 (MANE Select); 3324 bases downstream of the stop codon, A replaced by G.
Molecular consequence: 3 prime UTR variant.
Genome position (GRCh38, 1-based): chr2:208,358,629, A>G. VCF-style: chr2-208358629-A-G. GRCh37 (hg19) VCF-style: chr2-209223353-A-G.
Identifiers: ClinVar variation 333983 (VCV000333983.5), dbSNP rs114476866, ClinGen allele CA10612273.
Genomic context (GRCh38, chr2:208,358,629, plus strand): 5'-AATTTAATATGAAAAATGCCACTATATTGAAAGTACTTAATGTATTGTATATATTTCTCT[A>G]CTTTGGTTCTAGCTATTTTATATGATTGACATGTTATTTAAAAGATAACTGCCTTGAACT-3'